The following is an entry in ClinVar:

ClinVar aggregate classification (germline): Uncertain significance (1 of 4 stars; one submission).

Submission:

Labcorp Genetics (formerly Invitae), Labcorp
Classification: Uncertain significance. Last evaluated: 2022-08-24. Review status: criteria provided, single submitter. Criteria: Invitae Variant Classification Sherloc (09022015). Collection method: clinical testing. Allele origin: germline.
Comment: In summary, the available evidence is currently insufficient to determine the role of this variant in disease. Therefore, it has been classified as a Variant of Uncertain Significance. Algorithms developed to predict the effect of missense changes on protein structure and function (SIFT, PolyPhen-2, Align-GVGD) all suggest that this variant is likely to be tolerated. This variant has not been reported in the literature in individuals affected with FZD4-related conditions. This variant is not present in population databases (gnomAD no frequency). This sequence change replaces proline, which is neutral and non-polar, with serine, which is neutral and polar, at codon 170 of the FZD4 protein (p.Pro170Ser).

NM_012193.4(FZD4):c.508C>T (p.Pro170Ser)

Genes: FZD4 (frizzled class receptor 4; minus strand), PRSS23 (serine protease 23; plus strand). Cytogenetic location: 11q14.2.
Variant type: single nucleotide variant.
Coding change: c.508C>T on transcript NM_012193.4 (MANE Select); coding-DNA position 508, C replaced by T.
Protein change: p.Pro170Ser; replaces proline 170 with serine.
Molecular consequence: missense variant. On other transcripts: non-coding transcript variant (2).
Genome position (GRCh38, 1-based): chr11:86,952,248, G>A on the plus strand (C>T on the coding strand, the complement: FZD4 is on the minus strand). VCF-style: chr11-86952248-G-A. GRCh37 (hg19) VCF-style: chr11-86663290-G-A.
Other names: short protein forms P170S.
Identifiers: ClinVar variation 1717159 (VCV001717159.5), dbSNP rs1188045963, ClinGen allele CA382015877.
Genomic context (GRCh38, chr11:86,952,248, plus strand): 5'-GATCAGAATTGGTTCCCACAGAGTGACACTCTTCCCCAGGCTGGATGGGGGTTTTGTGAG[G>A]TAAGGGCACCTCTTCATCACCTGGCCCTTCCATGCACATGTGGTTGTGGTCGTTCTGTGG-3'
Protein context (NP_036325.2, residues 160-180): EGPGDEEVPL[Pro170Ser]HKTPIQPGEE